The following is an entry in ClinVar:

NM_000326.5(RLBP1):c.747G>A (p.Thr249=)

Gene: RLBP1 (retinaldehyde binding protein 1; minus strand). Cytogenetic location: 15q26.1.
Variant type: single nucleotide variant.
Coding change: c.747G>A on transcript NM_000326.5 (MANE Select); coding-DNA position 747, G replaced by A.
Protein change: p.Thr249=; no amino-acid change (threonine 249 retained).
Molecular consequence: synonymous variant.
Genome position (GRCh38, 1-based): chr15:89,210,747, C>T on the plus strand (G>A on the coding strand, the complement: RLBP1 is on the minus strand). VCF-style: chr15-89210747-C-T. GRCh37 (hg19) VCF-style: chr15-89753978-C-T.
Other names: c.747G>A (NM_000326.4).
Identifiers: ClinVar variation 1151498 (VCV001151498.11), dbSNP rs759669185, ClinGen allele CA7722199.

ClinVar aggregate classification (germline): Likely benign. Review status: criteria provided, multiple submitters, no conflicts (2 of 4 stars). 3 submissions from 3 submitters: Likely benign (3). Last evaluated 2026-06-24.

Conditions:
RLBP1-related disorder. Also called: RLBP1-related condition; RLBP1-related disorders. Identifiers: MedGen CN239413.

Allele frequency attached by ClinVar (database versions not stated): gnomAD 0.00001; TOPMed 0.00001; gnomAD exomes 0.00002.

Submissions (3):

PreventionGenetics, part of Exact Sciences
Classification: Likely benign for RLBP1-related condition. Last evaluated: 2026-06-24. Review status: criteria provided, single submitter. Criteria: ACMG Guidelines, 2015. Collection method: clinical testing. Allele origin: germline.
Comment: This variant is classified as likely benign based on ACMG/AMP sequence variant interpretation guidelines (Richards et al. 2015 PMID: 25741868, with internal and published modifications).

Blueprint Genetics
Classification: Likely benign. Last evaluated: 2024-08-27. Review status: criteria provided, single submitter. Criteria: ACMG Guidelines, 2015. Collection method: clinical testing. Allele origin: germline.

Labcorp Genetics (formerly Invitae), Labcorp
Classification: Likely benign. Last evaluated: 2023-12-17. Review status: criteria provided, single submitter. Criteria: Invitae Variant Classification Sherloc (09022015). Collection method: clinical testing. Allele origin: germline.